The following is an entry in ClinVar:

ClinVar aggregate classification (germline): Uncertain significance (1 of 4 stars; one submission).

Conditions:
Multiple endocrine neoplasia, type 2 (MEN2). Identifiers: Orphanet 653, MedGen C4048306, MONDO:0019003. Disease mechanism: gain of function.

Submission:

Labcorp Genetics (formerly Invitae), Labcorp
Classification: Uncertain significance for Multiple endocrine neoplasia, type 2. Last evaluated: 2020-03-04. Review status: criteria provided, single submitter. Criteria: Invitae Variant Classification Sherloc (09022015). Collection method: clinical testing. Allele origin: germline.
Comment: In summary, the available evidence is currently insufficient to determine the role of this variant in disease. Therefore, it has been classified as a Variant of Uncertain Significance. This sequence change replaces proline with leucine at codon 720 of the RET protein (p.Pro720Leu). The proline residue is highly conserved and there is a moderate physicochemical difference between proline and leucine. This variant is not present in population databases (ExAC no frequency). This variant has not been reported in the literature in individuals with RET-related disease. Algorithms developed to predict the effect of missense changes on protein structure and function are either unavailable or do not agree on the potential impact of this missense change (SIFT: "Deleterious"; PolyPhen-2: "Possibly Damaging"; Align-GVGD: "Class C0").

NM_020975.6(RET):c.2159C>T (p.Pro720Leu)

Gene: RET (ret proto-oncogene; plus strand). Cytogenetic location: 10q11.21.
Variant type: single nucleotide variant.
Coding change: c.2159C>T on transcript NM_020975.6 (MANE Select); coding-DNA position 2159, C replaced by T.
Protein change: p.Pro720Leu; replaces proline 720 with leucine.
Molecular consequence: missense variant.
Genome position (GRCh38, 1-based): chr10:43,116,606, C>T. VCF-style: chr10-43116606-C-T. GRCh37 (hg19) VCF-style: chr10-43612054-C-T.
Other names: c.2159C>T, p.Pro720Leu (NM_000323.2, NM_001406743.1, NM_001406744.1 and 4 more transcripts); c.1397C>T, p.Pro466Leu (NM_001355216.2); c.2030C>T, p.Pro677Leu (NM_001406761.1, NM_001406762.1, NM_001406764.1); c.2024C>T, p.Pro675Leu (NM_001406763.1, NM_001406765.1); c.1871C>T, p.Pro624Leu (NM_001406766.1, NM_001406767.1, NM_001406770.1); c.1895C>T, p.Pro632Leu (NM_001406768.1); c.1763C>T, p.Pro588Leu (NM_001406769.1, NM_001406772.1); c.1721C>T, p.Pro574Leu (NM_001406771.1, NM_001406773.1); and 10 more; short protein forms P466L, P720L, P237L, P325L, P677L, P378L, P390L, P624L.
Identifiers: ClinVar variation 648858 (VCV000648858.9), dbSNP rs1588875462, ClinGen allele CA376554243.